The following is an entry in ClinVar:

NM_001267550.2(TTN):c.74613C>T (p.Cys24871=)

Genes: TTN (titin; minus strand), TTN-AS1 (TTN antisense RNA 1; plus strand). Cytogenetic location: 2q31.2.
Variant type: single nucleotide variant.
Coding change: c.74613C>T on transcript NM_001267550.2 (MANE Select); coding-DNA position 74613, C replaced by T.
Protein change: p.Cys24871=; no amino-acid change (cysteine 24871 retained).
Molecular consequence: synonymous variant.
Genome position (GRCh38, 1-based): chr2:178,571,519, G>A on the plus strand (C>T on the coding strand, the complement: TTN is on the minus strand). VCF-style: chr2-178571519-G-A. GRCh37 (hg19) VCF-style: chr2-179436246-G-A.
Other names: c.69690C>T, p.Cys23230= (NM_001256850.1); c.47418C>T, p.Cys15806= (NM_003319.4); c.66909C>T, p.Cys22303= (NM_133378.4); c.47793C>T, p.Cys15931= (NM_133432.3); c.47994C>T, p.Cys15998= (NM_133437.4).
Identifiers: ClinVar variation 1146856 (VCV001146856.12), dbSNP rs747477017, ClinGen allele CA1990167.
Genomic context (GRCh38, chr2:178,571,519, plus strand): 5'-CTTCCCATATCTGTTTTCAGCTGCAATTCTAAACTGATATTCACATCCAGTCTTCAGTCT[G>A]CAAGCCTTTATTGTTGTCCTTGCAACTGTAGCTGATACAATTTGCCAGGTGGTTGTGGAA-3'
Protein context (NP_001254479.2, residues 24861-24881): ATVARTTIKA[Cys24871=]RLKTGCEYQF

ClinVar aggregate classification (germline): Likely benign. Review status: criteria provided, multiple submitters, no conflicts (2 of 4 stars). 3 submissions from 3 submitters: Likely benign (3). Last evaluated 2026-09-16.

Conditions:
TTN-related disorder. Also called: TTN-related condition; TTN-related disease; TTN-related disorders.
Autosomal recessive limb-girdle muscular dystrophy type 2J (LGMDR10). Also called: Limb-girdle muscular dystrophy, type 2J; MUSCULAR DYSTROPHY, LIMB-GIRDLE, AUTOSOMAL RECESSIVE 10. Identifiers: Orphanet 140922, MedGen C1837342, MONDO:0012127, OMIM 608807.
Dilated cardiomyopathy 1G (CMD1G). Identifiers: Orphanet 154, MedGen C1858763, MONDO:0011400, OMIM 604145.
Cardiovascular phenotype. Identifiers: MedGen CN230736.

Allele frequency attached by ClinVar (database versions not stated): TOPMed below 0.00001; gnomAD 0.00001; gnomAD exomes 0.00001.
gnomAD v4.1: 18 of 1,613,082 alleles (0.0011%); highest among the groups gnomAD compares: Non-Finnish European, 0.0014%; no homozygotes.

Submissions (3):

PreventionGenetics, part of Exact Sciences
Classification: Likely benign for TTN-related condition. Last evaluated: 2026-09-16. Review status: criteria provided, single submitter. Criteria: ACMG Guidelines, 2015. Collection method: clinical testing. Allele origin: germline.
Comment: This variant is classified as likely benign based on ACMG/AMP sequence variant interpretation guidelines (Richards et al. 2015 PMID: 25741868, with internal and published modifications).

Labcorp Genetics (formerly Invitae), Labcorp
Classification: Likely benign for Dilated cardiomyopathy 1G; Autosomal recessive limb-girdle muscular dystrophy type 2J. Last evaluated: 2024-04-04. Review status: criteria provided, single submitter. Criteria: Invitae Variant Classification Sherloc (09022015). Collection method: clinical testing. Allele origin: germline.

Ambry Genetics
Classification: Likely benign for Cardiovascular phenotype. Last evaluated: 2018-12-27. Review status: criteria provided, single submitter. Criteria: Ambry Variant Classification Scheme 2023. Collection method: clinical testing. Allele origin: germline.